The following is an entry in ClinVar:

NM_001003694.2(BRPF1):c.47C>T (p.Ala16Val)

Gene: BRPF1 (bromodomain and PHD finger containing 1; plus strand). Cytogenetic location: 3p25.3.
Variant type: single nucleotide variant.
Coding change: c.47C>T on transcript NM_001003694.2 (MANE Select); coding-DNA position 47, C replaced by T.
Protein change: p.Ala16Val; replaces alanine 16 with valine.
Molecular consequence: missense variant. On other transcripts: non-coding transcript variant (1).
Genome position (GRCh38, 1-based): chr3:9,734,187, C>T. VCF-style: chr3-9734187-C-T. GRCh37 (hg19) VCF-style: chr3-9775871-C-T.
Other names: c.47C>T, p.Ala16Val (NM_001319049.2, NM_001319050.2, NM_004634.3); short protein forms A16V.
Identifiers: ClinVar variation 1031691 (VCV001031691.1), dbSNP rs1465578133, ClinGen allele CA351678778.

ClinVar aggregate classification (germline): Uncertain significance (1 of 4 stars; one submission).

Conditions:
Intellectual developmental disorder with dysmorphic facies and ptosis (IDDDFP). Identifiers: Orphanet 698090, MedGen C4310617, MONDO:0015022, OMIM 617333.

Allele frequency attached by ClinVar (database versions not stated): gnomAD exomes 0.00001 and below 0.00001; TOPMed below 0.00001; gnomAD 0.00001.
gnomAD v4.1: 8 of 1,612,568 alleles (0.0005%); highest among the groups gnomAD compares: Admixed American, 0.0017%; no homozygotes.

Submission:

Baylor Genetics
Classification: Uncertain significance for Intellectual developmental disorder with dysmorphic facies and ptosis. Last evaluated: 2018-12-19. Review status: criteria provided, single submitter. Criteria: ACMG Guidelines, 2015. Collection method: clinical testing. Allele origin: maternal. Affected: yes.
Comment: This variant was determined to be of uncertain significance according to ACMG Guidelines, 2015 [PMID:25741868].